The following is an entry in ClinVar:

NM_000465.4(BARD1):c.1376A>T (p.His459Leu)

Gene: BARD1 (BRCA1 associated RING domain 1; minus strand). Cytogenetic location: 2q35.
Variant type: single nucleotide variant.
Coding change: c.1376A>T on transcript NM_000465.4 (MANE Select); coding-DNA position 1376, A replaced by T.
Protein change: p.His459Leu; replaces histidine 459 with leucine.
Molecular consequence: missense variant. On other transcripts: non-coding transcript variant (3), intron variant (3).
Genome position (GRCh38, 1-based): chr2:214,769,251, T>A on the plus strand (A>T on the coding strand, the complement: BARD1 is on the minus strand). VCF-style: chr2-214769251-T-A. GRCh37 (hg19) VCF-style: chr2-215633975-T-A.
Other names: c.1319A>T, p.His440Leu (NM_001282543.2); c.159-16696A>T (NM_001282548.2); c.216-16696A>T (NM_001282545.2); c.364+23046A>T (NM_001282549.2); short protein forms H459L, H440L.
Identifiers: ClinVar variation 4842588 (VCV004842588.1).

ClinVar aggregate classification (germline): Uncertain significance (1 of 4 stars; one submission).

Conditions:
Hereditary cancer-predisposing syndrome. Also called: Neoplastic Syndromes, Hereditary; Tumor predisposition; Hereditary Cancer Syndrome; Hereditary neoplastic syndrome. Identifiers: Orphanet 140162, MedGen C0027672, MeSH D009386, MONDO:0015356.

Submission:

Ambry Genetics
Classification: Uncertain significance for Hereditary cancer-predisposing syndrome. Last evaluated: 2026-01-03. Review status: criteria provided, single submitter. Criteria: Ambry Variant Classification Scheme 2023. Collection method: clinical testing. Allele origin: germline.
Comment: The p.H459L variant (also known as c.1376A>T), located in coding exon 5 of the BARD1 gene, results from an A to T substitution at nucleotide position 1376. The histidine at codon 459 is replaced by leucine, an amino acid with similar properties. This amino acid position is conserved. In addition, this alteration is predicted to be tolerated by in silico analysis. Based on the available evidence, the clinical significance of this variant remains unclear.